The following is an entry in ClinVar:

NM_032119.4(ADGRV1):c.4196A>C (p.His1399Pro)

Gene: ADGRV1 (adhesion G protein-coupled receptor V1; plus strand). Cytogenetic location: 5q14.3.
Variant type: single nucleotide variant.
Coding change: c.4196A>C on transcript NM_032119.4 (MANE Select); coding-DNA position 4196, A replaced by C.
Protein change: p.His1399Pro; replaces histidine 1399 with proline.
Molecular consequence: missense variant. On other transcripts: non-coding transcript variant (1).
Genome position (GRCh38, 1-based): chr5:90,653,770, A>C. VCF-style: chr5-90653770-A-C. GRCh37 (hg19) VCF-style: chr5-89949587-A-C.
Other names: short protein forms H1399P.
Identifiers: ClinVar variation 1462019 (VCV001462019.6), dbSNP rs2149468275, ClinGen allele CA360401798.

ClinVar aggregate classification (germline): Uncertain significance (1 of 4 stars; one submission).

Submission:

Labcorp Genetics (formerly Invitae), Labcorp
Classification: Uncertain significance. Last evaluated: 2022-06-05. Review status: criteria provided, single submitter. Criteria: Invitae Variant Classification Sherloc (09022015). Collection method: clinical testing. Allele origin: germline.
Comment: In summary, the available evidence is currently insufficient to determine the role of this variant in disease. Therefore, it has been classified as a Variant of Uncertain Significance. Algorithms developed to predict the effect of missense changes on protein structure and function are either unavailable or do not agree on the potential impact of this missense change (SIFT: "Tolerated"; PolyPhen-2: "Possibly Damaging"; Align-GVGD: "Class C0"). ClinVar contains an entry for this variant (Variation ID: 1462019). This variant has not been reported in the literature in individuals affected with ADGRV1-related conditions. This variant is not present in population databases (gnomAD no frequency). This sequence change replaces histidine, which is basic and polar, with proline, which is neutral and non-polar, at codon 1399 of the ADGRV1 protein (p.His1399Pro).